The following is an entry in ClinVar:

NM_001692.4(ATP6V1B1):c.807G>A (p.Pro269=)

Gene: ATP6V1B1 (ATPase H+ transporting V1 subunit B1; plus strand). Cytogenetic location: 2p13.3.
Variant type: single nucleotide variant.
Coding change: c.807G>A on transcript NM_001692.4 (MANE Select); coding-DNA position 807, G replaced by A.
Protein change: p.Pro269=; no amino-acid change (proline 269 retained).
Molecular consequence: synonymous variant.
Genome position (GRCh38, 1-based): chr2:70,962,798, G>A. VCF-style: chr2-70962798-G-A. GRCh37 (hg19) VCF-style: chr2-71189928-G-A.
Identifiers: ClinVar variation 792248 (VCV000792248.13), dbSNP rs142016861, ClinGen allele CA1701174.
Genomic context (GRCh38, chr2:70,962,798, plus strand): 5'-AGGCCTCCAGGCTCTCTAAACACCTGGCTACACCTCCAGGATCGAGCGGATCATCACCCC[G>A]CGCCTGGCGCTGACCACTGCTGAATTCCTTGCCTACCAGTGTGAGAAGCATGTGCTGGTC-3'
Protein context (NP_001683.2, residues 259-279): NDPTIERIIT[Pro269=]RLALTTAEFL

ClinVar aggregate classification (germline): Likely benign. Review status: criteria provided, multiple submitters, no conflicts (2 of 4 stars). 3 submissions from 3 submitters: Likely benign (3). Last evaluated 2026-01-26.

Conditions:
ATP6V1B1-related disorder. Also called: ATP6V1B1-related condition.

Allele frequency attached by ClinVar (database versions not stated): ExAC 0.00002; gnomAD exomes 0.00003 and 0.00004; ESP Exome Variant Server 0.00008; TOPMed 0.00008; gnomAD 0.00011; 1000 Genomes Project 30x 0.00031; 1000 Genomes Project 0.00040.
gnomAD v4.1: 57 of 1,614,052 alleles (0.0035%); highest among the groups gnomAD compares: African/African-American, 0.033%; no homozygotes.

Submissions (3):

Labcorp Genetics (formerly Invitae), Labcorp
Classification: Likely benign. Last evaluated: 2026-01-26. Review status: criteria provided, single submitter. Criteria: Invitae Variant Classification Sherloc (09022015). Collection method: clinical testing. Allele origin: germline.

PreventionGenetics, part of Exact Sciences
Classification: Likely benign for ATP6V1B1-related condition. Last evaluated: 2024-12-12. Review status: criteria provided, single submitter. Criteria: ACMG Guidelines, 2015. Collection method: clinical testing. Allele origin: germline.
Comment: This variant is classified as likely benign based on ACMG/AMP sequence variant interpretation guidelines (Richards et al. 2015 PMID: 25741868, with internal and published modifications).

Blueprint Genetics
Classification: Likely benign. Last evaluated: 2024-07-05. Review status: criteria provided, single submitter. Criteria: ACMG Guidelines, 2015. Collection method: clinical testing. Allele origin: germline.